The following is an entry in ClinVar:

ClinVar aggregate classification (germline): Uncertain significance. Review status: criteria provided, multiple submitters, no conflicts (2 of 4 stars). 2 submissions from 2 submitters: Uncertain significance (2). Last evaluated 2026-01-12.

Conditions:
Inborn genetic diseases. Identifiers: MedGen C0950123, MeSH D030342.

gnomAD v4.1: 35 of 1,614,112 alleles (0.0022%); highest among the groups gnomAD compares: Non-Finnish European, 0.0029%; no homozygotes.

Submissions (2):

Labcorp Genetics (formerly Invitae), Labcorp
Classification: Uncertain significance. Last evaluated: 2026-01-12. Review status: criteria provided, single submitter. Criteria: Invitae Variant Classification Sherloc (09022015). Collection method: clinical testing. Allele origin: germline.
Comment: This sequence change replaces glycine, which is neutral and non-polar, with glutamic acid, which is acidic and polar, at codon 481 of the PTPN23 protein (p.Gly481Glu). This variant is present in population databases (rs762959144, gnomAD 0.004%). This variant has not been reported in the literature in individuals affected with PTPN23-related conditions. ClinVar contains an entry for this variant (Variation ID: 3624824). Experimental studies and prediction algorithms are not available or were not evaluated, and the functional significance of this variant is currently unknown. In summary, the available evidence is currently insufficient to determine the role of this variant in disease. Therefore, it has been classified as a Variant of Uncertain Significance.

Ambry Genetics
Classification: Uncertain significance for Inborn genetic diseases. Last evaluated: 2025-10-15. Review status: criteria provided, single submitter. Criteria: Ambry Variant Classification Scheme 2023. Collection method: clinical testing. Allele origin: germline.

NM_015466.4(PTPN23):c.1442G>A (p.Gly481Glu)

Gene: PTPN23 (protein tyrosine phosphatase non-receptor type 23; plus strand). Cytogenetic location: 3p21.31.
Variant type: single nucleotide variant.
Coding change: c.1442G>A on transcript NM_015466.4 (MANE Select); coding-DNA position 1442, G replaced by A.
Protein change: p.Gly481Glu; replaces glycine 481 with glutamic acid.
Molecular consequence: missense variant.
Genome position (GRCh38, 1-based): chr3:47,408,887, G>A. VCF-style: chr3-47408887-G-A. GRCh37 (hg19) VCF-style: chr3-47450377-G-A.
Other names: c.1442G>A (NM_015466.2); c.1064G>A, p.Gly355Glu (NM_001304482.2); short protein forms G355E, G481E.
Identifiers: ClinVar variation 3624824 (VCV003624824.3).